The following is an entry in ClinVar:

ClinVar aggregate classification (germline): Uncertain significance. Review status: criteria provided, multiple submitters, no conflicts (2 of 4 stars). 3 submissions from 3 submitters: Uncertain significance (2). 1 of the submissions does not count toward it. Last evaluated 2026-03-13.

Conditions:
VPS13B-related disorder. Also called: VPS13B-related condition.
Cohen syndrome (COH1). Also called: Cutis verticis gyrata, retinitis pigmentosa, and sensorineural deafness; PEPPER SYNDROME. Identifiers: Orphanet 193, MedGen C0265223, MONDO:0008999, OMIM 216550.

gnomAD v4.1: 7 of 1,614,116 alleles (0.00043%); highest among the groups gnomAD compares: East Asian, 0.0045%; no homozygotes.

Submissions (3):

PreventionGenetics, part of Exact Sciences
Classification: Uncertain significance for VPS13B-related condition. Last evaluated: 2026-03-13. Review status: criteria provided, single submitter. Criteria: ACMG Guidelines, 2015. Collection method: clinical testing. Allele origin: germline.
Comment: The VPS13B c.133G>A variant is predicted to result in the amino acid substitution p.Asp45Asn. To our knowledge, this variant has not been reported in the literature or in a large population database (gnomAD), indicating this variant is rare. At this time, the clinical significance of this variant is uncertain due to the absence of conclusive functional and genetic evidence.

Labcorp Genetics (formerly Invitae), Labcorp
Classification: Uncertain significance for Cohen syndrome. Last evaluated: 2025-03-18. Review status: criteria provided, single submitter. Criteria: Invitae Variant Classification Sherloc (09022015). Collection method: clinical testing. Allele origin: germline.
Comment: This sequence change replaces aspartic acid, which is acidic and polar, with asparagine, which is neutral and polar, at codon 45 of the VPS13B protein (p.Asp45Asn). This variant is not present in population databases (gnomAD no frequency). This variant has not been reported in the literature in individuals affected with VPS13B-related conditions. ClinVar contains an entry for this variant (Variation ID: 1037359). Invitae Evidence Modeling of protein sequence and biophysical properties (such as structural, functional, and spatial information, amino acid conservation, physicochemical variation, residue mobility, and thermodynamic stability) indicates that this missense variant is expected to disrupt VPS13B protein function with a positive predictive value of 80%. In summary, the available evidence is currently insufficient to determine the role of this variant in disease. Therefore, it has been classified as a Variant of Uncertain Significance.

Natera, Inc.
Classification: Uncertain significance for Cohen syndrome. Last evaluated: 2020-10-19. Review status: no assertion criteria provided. Collection method: clinical testing. Allele origin: germline. Not counted in ClinVar's aggregate classification.

NM_152564.5(VPS13B):c.133G>A (p.Asp45Asn)

Gene: VPS13B (vacuolar protein sorting 13 homolog B; plus strand). Cytogenetic location: 8q22.2.
Variant type: single nucleotide variant.
Coding change: c.133G>A on transcript NM_152564.5 (MANE Select); coding-DNA position 133, G replaced by A.
Protein change: p.Asp45Asn; replaces aspartic acid 45 with asparagine.
Molecular consequence: missense variant. On other transcripts: non-coding transcript variant (1).
Genome position (GRCh38, 1-based): chr8:99,013,921, G>A. VCF-style: chr8-99013921-G-A. GRCh37 (hg19) VCF-style: chr8-100026149-G-A.
Other names: c.133G>A (NM_152564.4); c.133G>A, p.Asp45Asn (NM_015243.3, NM_017890.5, NM_181661.3); short protein forms D45N.
Identifiers: ClinVar variation 1037359 (VCV001037359.9), dbSNP rs761491720, ClinGen allele CA182872043.
Genomic context (GRCh38, chr8:99,013,921, plus strand): 5'-GATCTACAGCTTTCACTATGGGGTGGAGACGTGGTACTCAGCAAGCTCGAGTTAAAGTTG[G>A]ATGTGCTGGAACAGGTAAGCTATTTAGCTGTCATTAACTGGAAACAGTTTTCAGCTTGTT-3'
Protein context (NP_689777.3, residues 35-55): VVLSKLELKL[Asp45Asn]VLEQELKLPF